The following is an entry in ClinVar:

ClinVar aggregate classification (germline): Likely benign. Review status: criteria provided, single submitter (1 of 4 stars). 2 submissions from 2 submitters: Likely benign (1). 1 of the submissions does not count toward it. Last evaluated 2024-02-24.

Conditions:
CEACAM16-related disorder. Also called: CEACAM16-related condition.

gnomAD v4.1: 128 of 1,577,756 alleles (0.0081%); highest among the groups gnomAD compares: East Asian, 0.23%; 1 homozygote.

Submissions (2):

Labcorp Genetics (formerly Invitae), Labcorp
Classification: Likely benign. Last evaluated: 2024-02-24. Review status: criteria provided, single submitter. Criteria: Invitae Variant Classification Sherloc (09022015). Collection method: clinical testing. Allele origin: germline.

PreventionGenetics, part of Exact Sciences
Classification: Likely benign for CEACAM16-related condition. Last evaluated: 2019-03-29. Review status: no assertion criteria provided. Collection method: clinical testing. Allele origin: germline. Not counted in ClinVar's aggregate classification.
Comment: This variant is classified as likely benign based on ACMG/AMP sequence variant interpretation guidelines (Richards et al. 2015 PMID: 25741868, with internal and published modifications).

NM_001039213.4(CEACAM16):c.351C>T (p.Thr117=)

Genes: CEACAM16-AS1 (CEACAM16, CEACAM19 and PVR antisense RNA 1; minus strand), CEACAM16 (CEA cell adhesion molecule 16, tectorial membrane component; plus strand). Cytogenetic location: 19q13.32.
Variant type: single nucleotide variant.
Coding change: c.351C>T on transcript NM_001039213.4 (MANE Select); coding-DNA position 351, C replaced by T.
Protein change: p.Thr117=; no amino-acid change (threonine 117 retained).
Molecular consequence: synonymous variant.
Genome position (GRCh38, 1-based): chr19:44,703,662, C>T. VCF-style: chr19-44703662-C-T. GRCh37 (hg19) VCF-style: chr19-45206932-C-T.
Other names: c.351C>T (NM_001039213.3).
Identifiers: ClinVar variation 1571692 (VCV001571692.10), dbSNP rs753166718, ClinGen allele CA9503017.